The following is an entry in ClinVar:

NM_000393.5(COL5A2):c.3391G>T (p.Gly1131Cys)

Gene: COL5A2 (collagen type V alpha 2 chain; minus strand). Cytogenetic location: 2q32.2.
Variant type: single nucleotide variant.
Coding change: c.3391G>T on transcript NM_000393.5 (MANE Select); coding-DNA position 3391, G replaced by T.
Protein change: p.Gly1131Cys; replaces glycine 1131 with cysteine.
Molecular consequence: missense variant.
Genome position (GRCh38, 1-based): chr2:189,043,231, C>A on the plus strand (G>T on the coding strand, the complement: COL5A2 is on the minus strand). VCF-style: chr2-189043231-C-A. GRCh37 (hg19) VCF-style: chr2-189907957-C-A.
Other names: short protein forms G1131C.
Identifiers: ClinVar variation 1303359 (VCV001303359.10), dbSNP rs747946828, ClinGen allele CA2022005.

ClinVar aggregate classification (germline): Uncertain significance. Review status: criteria provided, multiple submitters, no conflicts (2 of 4 stars). 3 submissions from 3 submitters: Uncertain significance (3). Last evaluated 2026-01-19.

Conditions:
Ehlers-Danlos syndrome, classic type, 1 (EDSCL1). Also called: EHLERS-DANLOS SYNDROME, GRAVIS TYPE; EHLERS-DANLOS SYNDROME, SEVERE CLASSIC TYPE; Ehlers-Danlos syndrome, type 1; EDS I; Ehlers-Danlos Syndrome, Classic Type, COL5A1-Related. Identifiers: MedGen C0268335, MONDO:0019567, OMIM 130000.

Allele frequency attached by ClinVar (database versions not stated): ExAC 0.00001; gnomAD 0.00003 and 0.00002; TOPMed 0.00003; gnomAD exomes below 0.00001.
gnomAD v4.1: 4 of 1,613,690 alleles (0.00025%); highest among the groups gnomAD compares: African/African-American, 0.0053%; no homozygotes.

Submissions (3):

Women's Health and Genetics/Laboratory Corporation of America, LabCorp
Classification: Uncertain significance. Last evaluated: 2026-01-19. Review status: criteria provided, single submitter. Criteria: LabCorp Variant Classification Summary - May 2015. Collection method: clinical testing. Allele origin: germline.
Comment: Variant summary: COL5A2 c.3391G>T (p.Gly1131Cys) results in a non-conservative amino acid change in the encoded protein sequence. Algorithms developed to predict the effect of missense changes on protein structure and function all suggest that this variant is likely to be disruptive. The variant allele was found at a frequency of 4e-06 in 251200 control chromosomes. The available data on variant occurrences in the general population are insufficient to allow any conclusion about variant significance. To our knowledge, no occurrence of c.3391G>T in individuals affected with COL5A2-related conditions and no experimental evidence demonstrating its impact on protein function have been reported. ClinVar contains an entry for this variant (Variation ID: 1303359). Based on the evidence outlined above, the variant was classified as uncertain significance.

Labcorp Genetics (formerly Invitae), Labcorp
Classification: Uncertain significance for Ehlers-Danlos syndrome, classic type, 1. Last evaluated: 2023-09-01. Review status: criteria provided, single submitter. Criteria: Invitae Variant Classification Sherloc (09022015). Collection method: clinical testing. Allele origin: germline.
Comment: This sequence change replaces glycine, which is neutral and non-polar, with cysteine, which is neutral and slightly polar, at codon 1131 of the COL5A2 protein (p.Gly1131Cys). In summary, the available evidence is currently insufficient to determine the role of this variant in disease. Therefore, it has been classified as a Variant of Uncertain Significance. Advanced modeling of protein sequence and biophysical properties (such as structural, functional, and spatial information, amino acid conservation, physicochemical variation, residue mobility, and thermodynamic stability) performed at Invitae indicates that this missense variant is expected to disrupt COL5A2 protein function. ClinVar contains an entry for this variant (Variation ID: 1303359). This variant has not been reported in the literature in individuals affected with COL5A2-related conditions. This variant is present in population databases (rs747946828, gnomAD 0.01%).

GeneDx
Classification: Uncertain significance. Last evaluated: 2019-12-02. Review status: criteria provided, single submitter. Criteria: GeneDx Variant Classification Process June 2021. Collection method: clinical testing. Allele origin: germline. Affected: yes.
Comment: Has not been previously published as pathogenic or benign to our knowledge; Not observed at a significant frequency in large population cohorts (Lek et al., 2016); In silico analysis, which includes protein predictors and evolutionary conservation, supports a deleterious effect